The following is an entry in ClinVar:

ClinVar aggregate classification (germline): Benign/Likely benign (0 of 4 stars; one submission).

Submission:

ISCA site 4
Classification: Benign/Likely benign. Last evaluated: 2012-09-21. Review status: no assertion criteria provided. Collection method: clinical testing. Allele origin: unknown. Affected: yes. Observed: 2 variant alleles.
Comment: Likely benign (1), Benign (1)

Copy number variation identified through the course of routine clinical cytogenomic testing in postnatal populations, with clinical assertions as classified by the original submitter.

GRCh38/hg38 19p12(chr19:23442005-23860325)x1

Genes: RPSA2 (ribosomal protein SA 2; plus strand), ZNF675 (zinc finger protein 675; minus strand), ZNF681 (zinc finger protein 681; minus strand), LOC125371498 (Sharpr-MPRA regulatory region 124; plus strand), LOC130064105 (ATAC-STARR-seq lymphoblastoid active region 14392; plus strand) and 2 more. Cytogenetic location: 19p12.
Variant type: copy number loss.
Change: copy number 1 (one copy instead of two) of chr19:23,442,005-23,860,325 (418.3 kb, GRCh38 coordinates, 1-based), cytogenetic band 19p12.
Identifiers: ClinVar variation 145455 (VCV000145455.2).